The following is an entry in ClinVar:

ClinVar aggregate classification (germline): Uncertain significance. Review status: criteria provided, multiple submitters, no conflicts (2 of 4 stars). 2 submissions from 2 submitters: Uncertain significance (2). Last evaluated 2026-01-11.

Conditions:
Inborn genetic diseases. Identifiers: MedGen C0950123, MeSH D030342.

gnomAD v4.1: 2 of 1,613,882 alleles (0.00012%); highest among the groups gnomAD compares: Non-Finnish European, 0.00017%; no homozygotes.

Submissions (2):

Labcorp Genetics (formerly Invitae), Labcorp
Classification: Uncertain significance. Last evaluated: 2026-01-11. Review status: criteria provided, single submitter. Criteria: Invitae Variant Classification Sherloc (09022015). Collection method: clinical testing. Allele origin: germline.
Comment: This sequence change replaces leucine, which is neutral and non-polar, with glutamine, which is neutral and polar, at codon 1447 of the SAMD9L protein (p.Leu1447Gln). This variant is not present in population databases (gnomAD no frequency). This variant has not been reported in the literature in individuals affected with SAMD9L-related conditions. ClinVar contains an entry for this variant (Variation ID: 4159364). Invitae Evidence Modeling of protein sequence and biophysical properties (such as structural, functional, and spatial information, amino acid conservation, physicochemical variation, residue mobility, and thermodynamic stability) indicates that this missense variant is not expected to disrupt SAMD9L protein function with a negative predictive value of 80%. In summary, the available evidence is currently insufficient to determine the role of this variant in disease. Therefore, it has been classified as a Variant of Uncertain Significance.

Ambry Genetics
Classification: Uncertain significance for Inborn genetic diseases. Last evaluated: 2025-07-29. Review status: criteria provided, single submitter. Criteria: Ambry Variant Classification Scheme 2023. Collection method: clinical testing. Allele origin: germline.
Comment: The p.L1447Q variant (also known as c.4340T>A), located in coding exon 1 of the SAMD9L gene, results from a T to A substitution at nucleotide position 4340. The leucine at codon 1447 is replaced by glutamine, an amino acid with dissimilar properties. This amino acid position is conserved. In addition, this alteration is predicted to be tolerated by in silico analysis. Based on the available evidence, the clinical significance of this variant remains unclear.

NM_152703.5(SAMD9L):c.4340T>A (p.Leu1447Gln)

Gene: SAMD9L (sterile alpha motif domain containing 9 like; minus strand). Cytogenetic location: 7q21.2.
Variant type: single nucleotide variant.
Coding change: c.4340T>A on transcript NM_152703.5 (MANE Select); coding-DNA position 4340, T replaced by A.
Protein change: p.Leu1447Gln; replaces leucine 1447 with glutamine.
Molecular consequence: missense variant.
Genome position (GRCh38, 1-based): chr7:93,131,632, A>T on the plus strand (T>A on the coding strand, the complement: SAMD9L is on the minus strand). VCF-style: chr7-93131632-A-T. GRCh37 (hg19) VCF-style: chr7-92760945-A-T.
Other names: c.4340T>A, p.Leu1447Gln (NM_001303496.3, NM_001303497.3, NM_001303498.3 and 5 more transcripts); short protein forms L1447Q.
Identifiers: ClinVar variation 4159364 (VCV004159364.2).